The following is an entry in ClinVar:

ClinVar aggregate classification (germline): Uncertain significance. Review status: criteria provided, multiple submitters, no conflicts (2 of 4 stars). 3 submissions from 3 submitters: Uncertain significance (3). Last evaluated 2025-09-26.

Conditions:
Pseudohypoaldosteronism type 2B (PHA2B). Also called: Pseudohypoaldosteronism Type IIB. Identifiers: Orphanet 757, Orphanet 88939, MedGen C1840390, MONDO:0013777, OMIM 614491.
Inborn genetic diseases. Identifiers: MedGen C0950123, MeSH D030342.

Allele frequency attached by ClinVar (database versions not stated): ExAC 0.00006.

Submissions (3):

Ambry Genetics
Classification: Uncertain significance for Inborn genetic diseases. Last evaluated: 2025-09-26. Review status: criteria provided, single submitter. Criteria: Ambry Variant Classification Scheme 2023. Collection method: clinical testing. Allele origin: germline.

Fulgent Genetics
Classification: Uncertain significance for Pseudohypoaldosteronism type 2B. Last evaluated: 2024-04-23. Review status: criteria provided, single submitter. Criteria: ACMG Guidelines, 2015. Collection method: clinical testing. Allele origin: germline.

Labcorp Genetics (formerly Invitae), Labcorp
Classification: Uncertain significance. Last evaluated: 2023-09-27. Review status: criteria provided, single submitter. Criteria: Invitae Variant Classification Sherloc (09022015). Collection method: clinical testing. Allele origin: germline.
Comment: This sequence change replaces proline, which is neutral and non-polar, with leucine, which is neutral and non-polar, at codon 451 of the WNK4 protein (p.Pro451Leu). This variant is present in population databases (rs61754356, gnomAD 0.006%). This variant has not been reported in the literature in individuals affected with WNK4-related conditions. Advanced modeling of protein sequence and biophysical properties (such as structural, functional, and spatial information, amino acid conservation, physicochemical variation, residue mobility, and thermodynamic stability) performed at Invitae indicates that this missense variant is not expected to disrupt WNK4 protein function. In summary, the available evidence is currently insufficient to determine the role of this variant in disease. Therefore, it has been classified as a Variant of Uncertain Significance.

NM_032387.5(WNK4):c.1352C>T (p.Pro451Leu)

Gene: WNK4 (WNK lysine deficient protein kinase 4; plus strand). Cytogenetic location: 17q21.2.
Variant type: single nucleotide variant.
Coding change: c.1352C>T on transcript NM_032387.5 (MANE Select); coding-DNA position 1352, C replaced by T.
Protein change: p.Pro451Leu; replaces proline 451 with leucine.
Molecular consequence: missense variant.
Genome position (GRCh38, 1-based): chr17:42,785,358, C>T. VCF-style: chr17-42785358-C-T. GRCh37 (hg19) VCF-style: chr17-40937376-C-T.
Other names: c.1352C>T (NM_032387.4); c.344C>T, p.Pro115Leu (NM_001321299.2); short protein forms P451L, P115L.
Identifiers: ClinVar variation 2733033 (VCV002733033.5), dbSNP rs61754356, ClinGen allele CA8583967.